The following is an entry in ClinVar:

NM_005379.4(MYO1A):c.2162G>A (p.Arg721Gln)

Gene: MYO1A (myosin IA; minus strand). Cytogenetic location: 12q13.3.
Variant type: single nucleotide variant.
Coding change: c.2162G>A on transcript NM_005379.4 (MANE Select); coding-DNA position 2162, G replaced by A.
Protein change: p.Arg721Gln; replaces arginine 721 with glutamine.
Molecular consequence: missense variant.
Genome position (GRCh38, 1-based): chr12:57,036,985, C>T on the plus strand (G>A on the coding strand, the complement: MYO1A is on the minus strand). VCF-style: chr12-57036985-C-T. GRCh37 (hg19) VCF-style: chr12-57430769-C-T.
Other names: c.2162G>A, p.Arg721Gln (NM_001256041.2); short protein forms R721Q.
Identifiers: ClinVar variation 227657 (VCV000227657.4), dbSNP rs138855953, ClinGen allele CA6639842.

ClinVar aggregate classification (germline): Likely benign (1 of 4 stars; one submission).

Allele frequency attached by ClinVar (database versions not stated): 1000 Genomes Project 0.00020; gnomAD exomes 0.00003; TOPMed 0.00002; ExAC 0.00002; gnomAD 0.00003; ESP Exome Variant Server 0.00008; 1000 Genomes Project 30x 0.00016.
gnomAD v4.1: 29 of 1,614,174 alleles (0.0018%); highest among the groups gnomAD compares: African/African-American, 0.015%; no homozygotes.

Submission:

Laboratory for Molecular Medicine, Mass General Brigham Personalized Medicine
Classification: Likely benign. Last evaluated: 2015-02-02. Review status: criteria provided, single submitter. Criteria: LMM Criteria. Collection method: clinical testing. Allele origin: germline. Observed: 1 variant allele.
Comment: p.Arg721Gln in exon 20 of MYO1A: This variant is not expected to have clinical s ignificance to hearing loss because recent evidence has disqualified an associat ion between variants in the MYO1A gene and hearing loss (Eisenberger 2014). Thi s variant has also been identified in 2/67702 of European chromosomes and 1/166 26 South Asian chromosomes by the Exome Aggregation Consortium (ExAC; dbSNP rs138855953).

Literature cited by the submitters: PubMed 24616153.